The following is an entry in ClinVar:

ClinVar aggregate classification (germline): Uncertain significance (1 of 4 stars; one submission).

Conditions:
Pyogenic arthritis-pyoderma gangrenosum-acne syndrome (PAPA). Also called: PAPA SYNDROME; FAMILIAL RECURRENT ARTHRITIS. Identifiers: Orphanet 69126, MedGen C1858361, MONDO:0011462, OMIM 604416.

Submission:

Labcorp Genetics (formerly Invitae), Labcorp
Classification: Uncertain significance for Pyogenic arthritis-pyoderma gangrenosum-acne syndrome. Last evaluated: 2025-03-24. Review status: criteria provided, single submitter. Criteria: Invitae Variant Classification Sherloc (09022015). Collection method: clinical testing. Allele origin: germline.
Comment: This sequence change replaces proline, which is neutral and non-polar, with threonine, which is neutral and polar, at codon 3 of the PSTPIP1 protein (p.Pro3Thr). This variant is not present in population databases (gnomAD no frequency). This variant has not been reported in the literature in individuals affected with PSTPIP1-related conditions. An algorithm developed to predict the effect of missense changes on protein structure and function (PolyPhen-2) suggests that this variant is likely to be tolerated. In summary, the available evidence is currently insufficient to determine the role of this variant in disease. Therefore, it has been classified as a Variant of Uncertain Significance.

NM_003978.5(PSTPIP1):c.7C>A (p.Pro3Thr)

Gene: PSTPIP1 (proline-serine-threonine phosphatase interacting protein 1; plus strand). Cytogenetic location: 15q24.3.
Variant type: single nucleotide variant.
Coding change: c.7C>A on transcript NM_003978.5 (MANE Select); coding-DNA position 7, C replaced by A.
Protein change: p.Pro3Thr; replaces proline 3 with threonine.
Molecular consequence: missense variant. On other transcripts: 5 prime UTR variant (1), non-coding transcript variant (1).
Genome position (GRCh38, 1-based): chr15:76,995,580, C>A. VCF-style: chr15-76995580-C-A. GRCh37 (hg19) VCF-style: chr15-77287921-C-A.
Other names: c.7C>A, p.Pro3Thr (NM_001321135.2, NM_001411086.1); c.-240C>A (NM_001321136.2); c.202C>A, p.Pro68Thr (NM_001321137.1); short protein forms P3T, P68T.
Identifiers: ClinVar variation 4715849 (VCV004715849.1).